The following is an entry in ClinVar:

NM_001164665.2(KIAA1549):c.5469C>T (p.His1823=)

Gene: KIAA1549 (KIAA1549; minus strand). Cytogenetic location: 7q34.
Variant type: single nucleotide variant.
Coding change: c.5469C>T on transcript NM_001164665.2 (MANE Select); coding-DNA position 5469, C replaced by T.
Protein change: p.His1823=; no amino-acid change (histidine 1823 retained).
Molecular consequence: synonymous variant.
Genome position (GRCh38, 1-based): chr7:138,840,262, G>A on the plus strand (C>T on the coding strand, the complement: KIAA1549 is on the minus strand). VCF-style: chr7-138840262-G-A. GRCh37 (hg19) VCF-style: chr7-138525007-G-A.
Other names: c.5469C>T, p.His1823= (NM_020910.3); c.5469C>T (NM_001164665.1).
Identifiers: ClinVar variation 1168820 (VCV001168820.10), dbSNP rs565452410, ClinGen allele CA4505539.

ClinVar aggregate classification (germline): Benign/Likely benign. Review status: criteria provided, multiple submitters, no conflicts (2 of 4 stars). 3 submissions from 3 submitters: Benign (1); Likely benign (1). 1 of the submissions does not count toward it. Last evaluated 2026-01-05.

Conditions:
KIAA1549-related disorder. Also called: KIAA1549-related condition.

Allele frequency attached by ClinVar (database versions not stated): 1000 Genomes Project 30x 0.00031; 1000 Genomes Project 0.00040; gnomAD exomes 0.00046; gnomAD 0.00048; ExAC 0.00055; TOPMed 0.00057.
gnomAD v4.1: 761 of 1,599,290 alleles (0.048%); highest among the groups gnomAD compares: Admixed American, 0.12%; 1 homozygote.

Submissions (3):

Labcorp Genetics (formerly Invitae), Labcorp
Classification: Benign. Last evaluated: 2026-01-05. Review status: criteria provided, single submitter. Criteria: Invitae Variant Classification Sherloc (09022015). Collection method: clinical testing. Allele origin: germline.

Blueprint Genetics
Classification: Likely benign. Last evaluated: 2024-10-31. Review status: criteria provided, single submitter. Criteria: ACMG Guidelines, 2015. Collection method: clinical testing. Allele origin: germline.

PreventionGenetics, part of Exact Sciences
Classification: Likely benign for KIAA1549-related condition. Last evaluated: 2019-08-13. Review status: no assertion criteria provided. Collection method: clinical testing. Allele origin: germline. Not counted in ClinVar's aggregate classification.
Comment: This variant is classified as likely benign based on ACMG/AMP sequence variant interpretation guidelines (Richards et al. 2015 PMID: 25741868, with internal and published modifications).